The following is an entry in ClinVar:

NM_012398.3(PIP5K1C):c.622-6C>T

Gene: PIP5K1C (phosphatidylinositol-4-phosphate 5-kinase type 1 gamma; minus strand). Cytogenetic location: 19p13.3.
Variant type: single nucleotide variant.
Coding change: c.622-6C>T on transcript NM_012398.3 (MANE Select); 6 bases into the intron before coding-DNA position 622, C replaced by T.
Molecular consequence: intron variant.
Genome position (GRCh38, 1-based): chr19:3,653,595, G>A on the plus strand (C>T on the coding strand, the complement: PIP5K1C is on the minus strand). VCF-style: chr19-3653595-G-A. GRCh37 (hg19) VCF-style: chr19-3653593-G-A.
Other names: c.622-6C>T (NM_001195733.2, NM_001300849.2).
Identifiers: ClinVar variation 782921 (VCV000782921.26), dbSNP rs185331833, ClinGen allele CA9082579.

ClinVar aggregate classification (germline): Benign/Likely benign. Review status: criteria provided, multiple submitters, no conflicts (2 of 4 stars). 2 submissions from 2 submitters: Benign (1); Likely benign (1). Last evaluated 2026-01-31.

Allele frequency attached by ClinVar (database versions not stated): gnomAD exomes 0.00024 and 0.00052; TOPMed 0.00028; ESP Exome Variant Server 0.00031; gnomAD 0.00032 and 0.00040; ExAC 0.00048; 1000 Genomes Project 0.00200; 1000 Genomes Project 30x 0.00219.
gnomAD v4.1: 480 of 1,603,700 alleles (0.03%); highest among the groups gnomAD compares: East Asian, 0.35%; 2 homozygotes.

Submissions (2):

Labcorp Genetics (formerly Invitae), Labcorp
Classification: Benign. Last evaluated: 2026-01-31. Review status: criteria provided, single submitter. Criteria: Invitae Variant Classification Sherloc (09022015). Collection method: clinical testing. Allele origin: germline.

CeGaT Center for Human Genetics Tuebingen
Classification: Likely benign. Last evaluated: 2024-02-01. Review status: criteria provided, single submitter. Criteria: CeGaT Center For Human Genetics Tuebingen Variant Classification Criteria Version 2. Collection method: clinical testing. Allele origin: germline. Affected: yes. Observed: 1 variant allele.
Comment: PIP5K1C: BP4